The following is an entry in ClinVar:

ClinVar aggregate classification (germline): Uncertain significance. Review status: criteria provided, multiple submitters, no conflicts (2 of 4 stars). 6 submissions from 6 submitters: Uncertain significance (6). Last evaluated 2024-08-05.

Conditions:
Inborn genetic diseases. Identifiers: MedGen C0950123, MeSH D030342.
Cenani-Lenz syndactyly syndrome. Also called: CENANI SYNDACTYLISM; SYNDACTYLY, TYPE VII. Identifiers: Orphanet 3258, MedGen C1859309, MONDO:0008931, OMIM 212780.
Sclerosteosis 2 (SOST2). Identifiers: Orphanet 3152, MedGen C3280402, MONDO:0013679, OMIM 614305.
Congenital myasthenic syndrome 17. Identifiers: Orphanet 590, MedGen C4225377, MONDO:0014578, OMIM 616304.

Allele frequency attached by ClinVar (database versions not stated): TOPMed 0.00005; gnomAD 0.00004 and 0.00005; gnomAD exomes 0.00008 and 0.00005; ExAC 0.00003; ESP Exome Variant Server 0.00008.
gnomAD v4.1: 118 of 1,614,020 alleles (0.0073%); highest among the groups gnomAD compares: Non-Finnish European, 0.0094%; no homozygotes.

Submissions (6):

Ambry Genetics
Classification: Uncertain significance for Inborn genetic diseases. Last evaluated: 2024-08-05. Review status: criteria provided, single submitter. Criteria: Ambry Variant Classification Scheme 2023. Collection method: clinical testing. Allele origin: germline.

Mayo Clinic Laboratories, Mayo Clinic
Classification: Uncertain significance. Last evaluated: 2024-06-10. Review status: criteria provided, single submitter. Criteria: ACMG Guidelines, 2015. Collection method: clinical testing. Allele origin: germline. Observed: 1 variant allele.

Fulgent Genetics
Classification: Uncertain significance for Cenani-Lenz syndactyly syndrome; Sclerosteosis 2; Congenital myasthenic syndrome 17. Last evaluated: 2024-04-11. Review status: criteria provided, single submitter. Criteria: ACMG Guidelines, 2015. Collection method: clinical testing. Allele origin: germline.

GeneDx
Classification: Uncertain significance. Last evaluated: 2022-10-06. Review status: criteria provided, single submitter. Criteria: GeneDx Variant Classification Process June 2021. Collection method: clinical testing. Allele origin: germline. Affected: yes.
Comment: In silico analysis supports that this missense variant does not alter protein structure/function; Has not been previously published as pathogenic or benign to our knowledge

Labcorp Genetics (formerly Invitae), Labcorp
Classification: Uncertain significance for Cenani-Lenz syndactyly syndrome; Sclerosteosis 2; Congenital myasthenic syndrome 17. Last evaluated: 2022-07-30. Review status: criteria provided, single submitter. Criteria: Invitae Variant Classification Sherloc (09022015). Collection method: clinical testing. Allele origin: germline.
Comment: This sequence change replaces threonine, which is neutral and polar, with methionine, which is neutral and non-polar, at codon 1891 of the LRP4 protein (p.Thr1891Met). This variant is present in population databases (rs372637156, gnomAD 0.009%). This variant has not been reported in the literature in individuals affected with LRP4-related conditions. ClinVar contains an entry for this variant (Variation ID: 304844). Algorithms developed to predict the effect of missense changes on protein structure and function are either unavailable or do not agree on the potential impact of this missense change (SIFT: "Deleterious"; PolyPhen-2: "Probably Damaging"; Align-GVGD: "Class C0"). In summary, the available evidence is currently insufficient to determine the role of this variant in disease. Therefore, it has been classified as a Variant of Uncertain Significance.

Illumina Laboratory Services, Illumina
Classification: Uncertain significance for Cenani-Lenz syndactyly syndrome. Last evaluated: 2018-01-13. Review status: criteria provided, single submitter. Criteria: ICSL Variant Classification Criteria 13 December 2019. Collection method: clinical testing. Allele origin: germline.

NM_002334.4(LRP4):c.5672C>T (p.Thr1891Met)

Genes: LRP4-AS1 (LRP4 antisense RNA 1; plus strand), LRP4 (LDL receptor related protein 4; minus strand). Cytogenetic location: 11p11.2.
Variant type: single nucleotide variant.
Coding change: c.5672C>T on transcript NM_002334.4 (MANE Select); coding-DNA position 5672, C replaced by T.
Protein change: p.Thr1891Met; replaces threonine 1891 with methionine.
Molecular consequence: missense variant.
Genome position (GRCh38, 1-based): chr11:46,859,029, G>A on the plus strand (C>T on the coding strand, the complement: LRP4 is on the minus strand). VCF-style: chr11-46859029-G-A. GRCh37 (hg19) VCF-style: chr11-46880580-G-A.
Other names: p.Thr1891Met; short protein forms T1891M.
Identifiers: ClinVar variation 304844 (VCV000304844.14), dbSNP rs372637156, ClinGen allele CA5968965.